The following is an entry in ClinVar:

NM_153646.4(SLC24A4):c.899A>G (p.Tyr300Cys)

Gene: SLC24A4 (solute carrier family 24 member 4; plus strand). Cytogenetic location: 14q32.12.
Variant type: single nucleotide variant.
Coding change: c.899A>G on transcript NM_153646.4 (MANE Select); coding-DNA position 899, A replaced by G.
Protein change: p.Tyr300Cys; replaces tyrosine 300 with cysteine.
Molecular consequence: missense variant.
Genome position (GRCh38, 1-based): chr14:92,453,918, A>G. VCF-style: chr14-92453918-A-G. GRCh37 (hg19) VCF-style: chr14-92920262-A-G.
Other names: c.899A>G, p.Tyr300Cys (NM_001378620.1); c.842A>G, p.Tyr281Cys (NM_153647.4); c.707A>G, p.Tyr236Cys (NM_153648.4); short protein forms Y236C, Y281C, Y300C.
Identifiers: ClinVar variation 720703 (VCV000720703.13), dbSNP rs139572787, ClinGen allele CA7315950.

ClinVar aggregate classification (germline): Likely benign. Review status: criteria provided, multiple submitters, no conflicts (2 of 4 stars). 4 submissions from 4 submitters: Likely benign (3). 1 of the submissions does not count toward it. Last evaluated 2025-05-01.

Conditions:
SLC24A4-related disorder. Also called: SLC24A4-related condition.

Allele frequency attached by ClinVar (database versions not stated): gnomAD 0.00106 and 0.00123; TOPMed 0.00111; ESP Exome Variant Server 0.00131; 1000 Genomes Project 0.00140; 1000 Genomes Project 30x 0.00141; ExAC 0.00173; gnomAD exomes 0.00176 and 0.00179.

Submissions (4):

CeGaT Center for Human Genetics Tuebingen
Classification: Likely benign. Last evaluated: 2025-05-01. Review status: criteria provided, single submitter. Criteria: CeGaT Center For Human Genetics Tuebingen Variant Classification Criteria Version 2. Collection method: clinical testing. Allele origin: germline. Affected: yes. Observed: 2 variant alleles.
Comment: SLC24A4: BS2

Labcorp Genetics (formerly Invitae), Labcorp
Classification: Likely benign. Last evaluated: 2018-08-07. Review status: criteria provided, single submitter. Criteria: Invitae Variant Classification Sherloc (09022015). Collection method: clinical testing. Allele origin: germline.

Breakthrough Genomics
Classification: Likely benign. Review status: criteria provided, single submitter. Criteria: ACMG Guidelines, 2015. Collection method: not provided. Allele origin: germline. Inheritance: Autosomal recessive inheritance. Affected: yes.

PreventionGenetics, part of Exact Sciences
Classification: Likely benign for SLC24A4-related condition. Last evaluated: 2020-02-12. Review status: no assertion criteria provided. Collection method: clinical testing. Allele origin: germline. Not counted in ClinVar's aggregate classification.
Comment: This variant is classified as likely benign based on ACMG/AMP sequence variant interpretation guidelines (Richards et al. 2015 PMID: 25741868, with internal and published modifications).